The following is an entry in ClinVar:

NM_002439.5(MSH3):c.2128C>G (p.Pro710Ala)

Gene: MSH3 (mutS homolog 3; plus strand). Cytogenetic location: 5q14.1.
Variant type: single nucleotide variant.
Coding change: c.2128C>G on transcript NM_002439.5 (MANE Select); coding-DNA position 2128, C replaced by G.
Protein change: p.Pro710Ala; replaces proline 710 with alanine.
Molecular consequence: missense variant.
Genome position (GRCh38, 1-based): chr5:80,768,878, C>G. VCF-style: chr5-80768878-C-G. GRCh37 (hg19) VCF-style: chr5-80064697-C-G.
Other names: short protein forms P710A.
Identifiers: ClinVar variation 1022347 (VCV001022347.10), dbSNP rs746233320, ClinGen allele CA3328143.

ClinVar aggregate classification (germline): Uncertain significance (1 of 4 stars; one submission).

Allele frequency attached by ClinVar (database versions not stated): gnomAD exomes below 0.00001; ExAC 0.00001.
gnomAD v4.1: 1 of 1,611,290 alleles (0.000062%); highest among the groups gnomAD compares: East Asian, 0.0022%; no homozygotes.

Submission:

Labcorp Genetics (formerly Invitae), Labcorp
Classification: Uncertain significance. Last evaluated: 2025-07-31. Review status: criteria provided, single submitter. Criteria: Invitae Variant Classification Sherloc (09022015). Collection method: clinical testing. Allele origin: germline.
Comment: This sequence change replaces proline, which is neutral and non-polar, with alanine, which is neutral and non-polar, at codon 710 of the MSH3 protein (p.Pro710Ala). This variant is present in population databases (rs746233320, gnomAD 0.006%). This variant has not been reported in the literature in individuals affected with MSH3-related conditions. ClinVar contains an entry for this variant (Variation ID: 1022347). An algorithm developed to predict the effect of missense changes on protein structure and function (PolyPhen-2) suggests that this variant is likely to be disruptive. In summary, the available evidence is currently insufficient to determine the role of this variant in disease. Therefore, it has been classified as a Variant of Uncertain Significance.